The following is an entry in ClinVar:

ClinVar aggregate classification (germline): Likely pathogenic. Review status: criteria provided, single submitter (1 of 4 stars). 2 submissions from 2 submitters: Likely pathogenic (1). 1 of the submissions does not count toward it. Last evaluated 2021-11-29.

Submissions (2):

Athena Diagnostics
Classification: Likely pathogenic. Last evaluated: 2021-11-29. Review status: criteria provided, single submitter. Criteria: Athena Diagnostics Criteria. Collection method: clinical testing. Allele origin: unknown.
Comment: This variant has not been reported in large, multi-ethnic general populations. This variant has been identified in at least one individual with clinical features associated with this gene. Assessment of experimental evidence suggests this variant results in abnormal protein function. Multiple studies demonstrate this variant results in an increase to the amyloid-beta-42/40 production ratio (PMID: 15056474, 20460383, 27930341, 30042426, 31235249).

VIB  Department of Molecular Genetics, University of Antwerp
No classification provided. Review status: no classification provided. Collection method: not provided. Allele origin: not provided. Not counted in ClinVar's aggregate classification.

Literature cited by the submitters: PubMed 10090481 (cited by Athena Diagnostics); PubMed 27930341 (cited by Athena Diagnostics); PubMed 20460383 (cited by Athena Diagnostics); PubMed 34220489 (cited by Athena Diagnostics); PubMed 30042426 (cited by Athena Diagnostics); PubMed 27777022 (cited by Athena Diagnostics); PubMed 26756738 (cited by Athena Diagnostics); PubMed 18491041 (cited by Athena Diagnostics); PubMed 15056474 (cited by Athena Diagnostics); PubMed 31235249 (cited by Athena Diagnostics).

NM_000021.4(PSEN1):c.1306C>T (p.Pro436Ser)

Gene: PSEN1 (presenilin 1; plus strand). Cytogenetic location: 14q24.2.
Variant type: single nucleotide variant.
Coding change: c.1306C>T on transcript NM_000021.4 (MANE Select); coding-DNA position 1306, C replaced by T.
Protein change: p.Pro436Ser; replaces proline 436 with serine.
Molecular consequence: missense variant.
Genome position (GRCh38, 1-based): chr14:73,219,191, C>T. VCF-style: chr14-73219191-C-T. GRCh37 (hg19) VCF-style: chr14-73685899-C-T.
Other names: c.1294C>T, p.Pro432Ser (NM_007318.3); short protein forms P436S, P432S.
Identifiers: ClinVar variation 98115 (VCV000098115.2), dbSNP rs63749925, ClinGen allele CA225186.